The following is an entry in ClinVar:

NM_018082.6(POLR3B):c.2136A>G (p.Leu712=)

Gene: POLR3B (RNA polymerase III subunit B; plus strand). Cytogenetic location: 12q23.3.
Variant type: single nucleotide variant.
Coding change: c.2136A>G on transcript NM_018082.6 (MANE Select); coding-DNA position 2136, A replaced by G.
Protein change: p.Leu712=; no amino-acid change (leucine 712 retained).
Molecular consequence: synonymous variant.
Genome position (GRCh38, 1-based): chr12:106,454,554, A>G. VCF-style: chr12-106454554-A-G. GRCh37 (hg19) VCF-style: chr12-106848332-A-G.
Other names: c.1962A>G, p.Leu654= (NM_001160708.2).
Identifiers: ClinVar variation 306942 (VCV000306942.42), dbSNP rs139146614, ClinGen allele CA6762129.

ClinVar aggregate classification (germline): Benign/Likely benign. Review status: criteria provided, multiple submitters, no conflicts (2 of 4 stars). 6 submissions from 6 submitters: Benign (2); Likely benign (4). Last evaluated 2026-04-01.

Conditions:
Leukodystrophy, hypomyelinating, 8, with or without oligodontia and/or hypogonadotropic hypogonadism. Also called: LEUKODYSTROPHY, HYPOMYELINATING, 8, WITH HYPODONTIA AND HYPOGONADOTROPIC HYPOGONADISM; Hypomyelinating leukodystrophy 8 with or without oligodontia and-or hypogonadotropic hypogonadism; Endosteal sclerosis-cerebellar hypoplasia syndrome. Identifiers: Orphanet 85186, Orphanet 88637, MedGen C3280644, MONDO:0013722, OMIM 614381.

Allele frequency attached by ClinVar (database versions not stated): 1000 Genomes Project 30x 0.00281; ESP Exome Variant Server 0.00346; gnomAD exomes 0.00092; 1000 Genomes Project 0.00280; ExAC 0.00113; gnomAD 0.00301 and 0.00324; TOPMed 0.00333.
gnomAD v4.1: 1,156 of 1,608,824 alleles (0.072%); highest among the groups gnomAD compares: African/African-American, 0.99%; 3 homozygotes.

Submissions (6):

CeGaT Center for Human Genetics Tuebingen
Classification: Likely benign. Last evaluated: 2026-04-01. Review status: criteria provided, single submitter. Criteria: CeGaT Center For Human Genetics Tuebingen Variant Classification Criteria Version 2. Collection method: clinical testing. Allele origin: germline. Affected: yes. Observed: 5 variant alleles.
Comment: POLR3B: BP4, BP7

Labcorp Genetics (formerly Invitae), Labcorp
Classification: Benign. Last evaluated: 2025-12-13. Review status: criteria provided, single submitter. Criteria: Invitae Variant Classification Sherloc (09022015). Collection method: clinical testing. Allele origin: germline.

Blueprint Genetics
Classification: Likely benign. Last evaluated: 2024-11-25. Review status: criteria provided, single submitter. Criteria: ACMG Guidelines, 2015. Collection method: clinical testing. Allele origin: germline.

GeneDx
Classification: Benign. Last evaluated: 2021-03-01. Review status: criteria provided, single submitter. Criteria: GeneDx Variant Classification Process June 2021. Collection method: clinical testing. Allele origin: germline. Affected: yes.

Illumina Laboratory Services, Illumina
Classification: Likely benign for Leukodystrophy, hypomyelinating, 8, with or without oligodontia and/or hypogonadotropic hypogonadism. Last evaluated: 2018-01-13. Review status: criteria provided, single submitter. Criteria: ICSL Variant Classification Criteria 13 December 2019. Collection method: clinical testing. Allele origin: germline.
Comment: This variant was observed in the ICSL laboratory as part of a predisposition screen in an ostensibly healthy population. It had not been previously curated by ICSL or reported in the Human Gene Mutation Database (HGMD: prior to June 1st, 2018), and was therefore a candidate for classification through an automated scoring system. Utilizing variant allele frequency, disease prevalence and penetrance estimates, and inheritance mode, an automated score was calculated to assess if this variant is too frequent to cause the disease. Based on the score and internal cut-off values, a variant classified as likely benign is not then subjected to further curation. The score for this variant resulted in a classification of likely benign for this disease.

Breakthrough Genomics
Classification: Likely benign. Review status: criteria provided, single submitter. Criteria: ACMG Guidelines, 2015. Collection method: not provided. Allele origin: germline. Inheritance: Autosomal recessive inheritance. Affected: yes.